The following is an entry in ClinVar:

ClinVar aggregate classification (germline): Uncertain significance (1 of 4 stars; one submission).

Conditions:
Cardiovascular phenotype. Identifiers: MedGen CN230736.

Allele frequency attached by ClinVar (database versions not stated): gnomAD exomes below 0.00001.
gnomAD v4.1: 2 of 1,614,066 alleles (0.00012%); highest among the groups gnomAD compares: African/African-American, 0.0027%; no homozygotes.

Submission:

Ambry Genetics
Classification: Uncertain significance for Cardiovascular phenotype. Last evaluated: 2023-01-18. Review status: criteria provided, single submitter. Criteria: Ambry Variant Classification Scheme 2023. Collection method: clinical testing. Allele origin: germline.
Comment: The p.E349K variant (also known as c.1045G>A), located in coding exon 8 of the TBX5 gene, results from a G to A substitution at nucleotide position 1045. The glutamic acid at codon 349 is replaced by lysine, an amino acid with similar properties. This alteration has been reported in a dilated cardiomyopathy (DCM) cohort; however, clinical details were limited (Mazzarotto F et al. Circulation, 2020 Feb;141:387-398). This amino acid position is not well conserved in available vertebrate species. In addition, this alteration is predicted to be tolerated by in silico analysis. Since supporting evidence is limited at this time, the clinical significance of this alteration remains unclear.

Literature cited by the submitters: PubMed 31983221.

NM_181486.4(TBX5):c.1045G>A (p.Glu349Lys)

Gene: TBX5 (T-box transcription factor 5; minus strand). Cytogenetic location: 12q24.21.
Variant type: single nucleotide variant.
Coding change: c.1045G>A on transcript NM_181486.4 (MANE Select); coding-DNA position 1045, G replaced by A.
Protein change: p.Glu349Lys; replaces glutamic acid 349 with lysine.
Molecular consequence: missense variant.
Genome position (GRCh38, 1-based): chr12:114,356,044, C>T on the plus strand (G>A on the coding strand, the complement: TBX5 is on the minus strand). VCF-style: chr12-114356044-C-T. GRCh37 (hg19) VCF-style: chr12-114793849-C-T.
Other names: c.1045G>A, p.Glu349Lys (NM_000192.3); c.895G>A, p.Glu299Lys (NM_080717.4); short protein forms E349K, E299K.
Identifiers: ClinVar variation 2448156 (VCV002448156.2), dbSNP rs1565923887, ClinGen allele CA386925911.